The following is an entry in ClinVar:

NM_005612.5(REST):c.2494C>T (p.Arg832Trp)

Gene: REST (RE1 silencing transcription factor; plus strand). Cytogenetic location: 4q12.
Variant type: single nucleotide variant.
Coding change: c.2494C>T on transcript NM_005612.5 (MANE Select); coding-DNA position 2494, C replaced by T.
Protein change: p.Arg832Trp; replaces arginine 832 with tryptophan.
Molecular consequence: missense variant.
Genome position (GRCh38, 1-based): chr4:56,931,352, C>T. VCF-style: chr4-56931352-C-T. GRCh37 (hg19) VCF-style: chr4-57797518-C-T.
Other names: c.2494C>T, p.Arg832Trp (NM_001193508.2, NM_001363453.3); short protein forms R832W.
Identifiers: ClinVar variation 1006615 (VCV001006615.6), dbSNP rs367963860, ClinGen allele CA2932497.
Genomic context (GRCh38, chr4:56,931,352, plus strand): 5'-AAAAAGCCTCCTCTCCGAAAAGATAAAAAGGAAAAGTCTAACATGCAGAGTGAAAGGGCA[C>T]GGAAGGAGCAAGTCCTTATTGAAGTTGGCTTAGTGCCTGTTAAAGATAGCTGGCTTCTAA-3'
Protein context (NP_005603.3, residues 822-842): EKSNMQSERA[Arg832Trp]KEQVLIEVGL

ClinVar aggregate classification (germline): Uncertain significance (1 of 4 stars; one submission).

Allele frequency attached by ClinVar (database versions not stated): gnomAD 0.00004 and 0.00005; TOPMed 0.00008; gnomAD exomes 0.00010 and 0.00012; ExAC 0.00012; ESP Exome Variant Server 0.00023.
gnomAD v4.1: 159 of 1,614,082 alleles (0.0099%); highest among the groups gnomAD compares: Middle Eastern, 0.066%; no homozygotes.

Submission:

Labcorp Genetics (formerly Invitae), Labcorp
Classification: Uncertain significance. Last evaluated: 2025-11-10. Review status: criteria provided, single submitter. Criteria: Invitae Variant Classification Sherloc (09022015). Collection method: clinical testing. Allele origin: germline.
Comment: This sequence change replaces arginine, which is basic and polar, with tryptophan, which is neutral and slightly polar, at codon 832 of the REST protein (p.Arg832Trp). This variant is present in population databases (rs367963860, gnomAD 0.04%), and has an allele count higher than expected for a pathogenic variant. This variant has not been reported in the literature in individuals affected with REST-related conditions. ClinVar contains an entry for this variant (Variation ID: 1006615). An algorithm developed to predict the effect of missense changes on protein structure and function (PolyPhen-2) suggests that this variant is likely to be tolerated. In summary, the available evidence is currently insufficient to determine the role of this variant in disease. Therefore, it has been classified as a Variant of Uncertain Significance.